The following is an entry in ClinVar:

NM_001942.4(DSG1):c.1642C>G (p.Pro548Ala)

Gene: DSG1 (desmoglein 1; plus strand). Cytogenetic location: 18q12.1.
Variant type: single nucleotide variant.
Coding change: c.1642C>G on transcript NM_001942.4 (MANE Select); coding-DNA position 1642, C replaced by G.
Protein change: p.Pro548Ala; replaces proline 548 with alanine.
Molecular consequence: missense variant.
Genome position (GRCh38, 1-based): chr18:31,339,980, C>G. VCF-style: chr18-31339980-C-G. GRCh37 (hg19) VCF-style: chr18-28919943-C-G.
Other names: short protein forms P548A.
Identifiers: ClinVar variation 1371298 (VCV001371298.6), dbSNP rs749831695, ClinGen allele CA8926124.
Genomic context (GRCh38, chr18:31,339,980, plus strand): 5'-TATTCTTCTGAACCCGGAAACGGAGCCAAAGATTTGTTATCAGACAATGTACATTTTGGT[C>G]CTGCTGGCATTGGACTCCTCATCATGGGATTCTTGGTCTTAGGATGTAAGTACTTTAGCA-3'
Protein context (NP_001933.2, residues 538-558): DLLSDNVHFG[Pro548Ala]AGIGLLIMGF

ClinVar aggregate classification (germline): Uncertain significance (1 of 4 stars; one submission).

Allele frequency attached by ClinVar (database versions not stated): gnomAD exomes below 0.00001; ExAC 0.00001.
gnomAD v4.1: 7 of 1,614,020 alleles (0.00043%); highest among the groups gnomAD compares: Non-Finnish European, 0.00059%; no homozygotes.

Submission:

Labcorp Genetics (formerly Invitae), Labcorp
Classification: Uncertain significance. Last evaluated: 2024-01-19. Review status: criteria provided, single submitter. Criteria: Invitae Variant Classification Sherloc (09022015). Collection method: clinical testing. Allele origin: germline.
Comment: This sequence change replaces proline, which is neutral and non-polar, with alanine, which is neutral and non-polar, at codon 548 of the DSG1 protein (p.Pro548Ala). This variant is present in population databases (rs749831695, gnomAD 0.0009%). This variant has not been reported in the literature in individuals affected with DSG1-related conditions. ClinVar contains an entry for this variant (Variation ID: 1371298). Advanced modeling of protein sequence and biophysical properties (such as structural, functional, and spatial information, amino acid conservation, physicochemical variation, residue mobility, and thermodynamic stability) performed at Invitae indicates that this missense variant is not expected to disrupt DSG1 protein function with a negative predictive value of 80%. In summary, the available evidence is currently insufficient to determine the role of this variant in disease. Therefore, it has been classified as a Variant of Uncertain Significance.